The following is an entry in ClinVar:

ClinVar aggregate classification (germline): Benign (0 of 4 stars; one submission).

Conditions:
IRS2-related disorder. Also called: IRS2-related condition.

Allele frequency attached by ClinVar (database versions not stated): 1000 Genomes Project 30x 0.55949; 1000 Genomes Project 0.56390; gnomAD exomes 0.58525; ExAC 0.58709; gnomAD 0.59609; TOPMed 0.60054; ESP Exome Variant Server 0.60178.
gnomAD v4.1: 906,658 of 1,548,250 alleles (59%); highest among the groups gnomAD compares: Admixed American, 68%; 267,094 homozygotes.

Submission:

PreventionGenetics, part of Exact Sciences
Classification: Benign for IRS2-related condition. Last evaluated: 2019-10-17. Review status: no assertion criteria provided. Collection method: clinical testing. Allele origin: germline.
Comment: This variant is classified as benign based on ACMG/AMP sequence variant interpretation guidelines (Richards et al. 2015 PMID: 25741868, with internal and published modifications).

NM_003749.3(IRS2):c.2448T>C (p.Cys816=)

Gene: IRS2 (insulin receptor substrate 2; minus strand). Cytogenetic location: 13q34.
Variant type: single nucleotide variant.
Coding change: c.2448T>C on transcript NM_003749.3 (MANE Select); coding-DNA position 2448, T replaced by C.
Protein change: p.Cys816=; no amino-acid change (cysteine 816 retained).
Molecular consequence: synonymous variant.
Genome position (GRCh38, 1-based): chr13:109,783,606, A>G on the plus strand (T>C on the coding strand, the complement: IRS2 is on the minus strand). VCF-style: chr13-109783606-A-G. GRCh37 (hg19) VCF-style: chr13-110435953-A-G.
Identifiers: ClinVar variation 3059034 (VCV003059034.2), dbSNP rs4773092, ClinGen allele CA7046350.